The following is an entry in ClinVar:

NM_001848.3(COL6A1):c.554_555del (p.Lys185fs)

Gene: COL6A1 (collagen type VI alpha 1 chain; plus strand). Cytogenetic location: 21q22.3.
Variant type: Deletion.
Coding change: c.554_555del on transcript NM_001848.3 (MANE Select); coding-DNA positions 554 to 555, 2 bases deleted (AA; older notation c.554_555delAA).
Protein change: p.Lys185fs; shifts the reading frame from lysine 185.
Molecular consequence: frameshift variant.
Genome position (GRCh38, 1-based): chr21:45,986,651-45,986,652, AA deleted; deleting any 2 consecutive bases within chr21:45,986,650-45,986,652 gives the same sequence; the c. name uses the placement nearest the transcript's 3' end. VCF-style (leftmost placement, unchanged base first): chr21-45986649-CAA-C. GRCh37 (hg19) VCF-style: chr21-47406563-CAA-C.
Other names: c.554_555delAA (NM_001848.3); short protein forms K185fs.
Identifiers: ClinVar variation 861529 (VCV000861529.9), dbSNP rs1377090546, ClinGen allele CA749826644.

ClinVar aggregate classification (germline): Pathogenic. Review status: criteria provided, multiple submitters, no conflicts (2 of 4 stars). 2 submissions from 2 submitters: Pathogenic (2). Last evaluated 2022-02-14.

Conditions:
Ullrich congenital muscular dystrophy 1A. Also called: Ullrich congenital muscular dystrophy 1; Intermediate COL6-RD. Identifiers: Orphanet 75840, MedGen C0410179, MONDO:0009681, OMIM 254090.
Bethlem myopathy 1A. Also called: MYOPATHY, BENIGN CONGENITAL, WITH CONTRACTURES; Bethlem myopathy 1; Bethlem Muscular Dystrophy. Identifiers: Orphanet 610, MedGen CN029274, MONDO:0024530, OMIM 158810.

Submissions (2):

Kariminejad - Najmabadi Pathology & Genetics Center
Classification: Pathogenic for Bethlem myopathy 1A; Ullrich congenital muscular dystrophy 1A. Last evaluated: 2022-02-14. Review status: criteria provided, single submitter. Criteria: ACMG Guidelines, 2015. Collection method: clinical testing. Allele origin: germline. Inheritance: Autosomal recessive inheritance. Affected: yes.
Comment: PVS1, PM2, PP5

Labcorp Genetics (formerly Invitae), Labcorp
Classification: Pathogenic for Bethlem myopathy 1A. Last evaluated: 2019-04-20. Review status: criteria provided, single submitter. Criteria: Invitae Variant Classification Sherloc (09022015). Collection method: clinical testing. Allele origin: germline.
Comment: Loss-of-function variants in COL6A1 are known to be pathogenic (PMID: 19884007, 20976770). For these reasons, this variant has been classified as Pathogenic. This variant has not been reported in the literature in individuals with COL6A1-related conditions. This variant is not present in population databases (ExAC no frequency). This sequence change creates a premature translational stop signal (p.Lys185Serfs*32) in the COL6A1 gene. It is expected to result in an absent or disrupted protein product.

Literature cited by the submitters: PubMed 19884007 (cited by Labcorp Genetics (formerly Invitae), Labcorp); PubMed 20976770 (cited by Labcorp Genetics (formerly Invitae), Labcorp).